The following is an entry in ClinVar:

NM_001013838.3(CARMIL2):c.2403C>T (p.Gly801=)

Gene: CARMIL2 (capping protein regulator and myosin 1 linker 2; plus strand). Cytogenetic location: 16q22.1.
Variant type: single nucleotide variant.
Coding change: c.2403C>T on transcript NM_001013838.3 (MANE Select); coding-DNA position 2403, C replaced by T.
Protein change: p.Gly801=; no amino-acid change (glycine 801 retained).
Molecular consequence: synonymous variant.
Genome position (GRCh38, 1-based): chr16:67,651,490, C>T. VCF-style: chr16-67651490-C-T. GRCh37 (hg19) VCF-style: chr16-67685393-C-T.
Other names: c.2295C>T, p.Gly765= (NM_001317026.3).
Identifiers: ClinVar variation 1474816 (VCV001474816.8), dbSNP rs1421342015, ClinGen allele CA496086760.
Genomic context (GRCh38, chr16:67,651,490, plus strand): 5'-CTCCCCAAGCCATCACTGGCAGCTTGGGCAGAAGCTGGAGGGCCTTCTGAGACAGGTGGG[C>T]GAGGTCTGCCGCCAGGACATCCAGGTGAGAGGGTACTCCTGCCCCAACCCCACCTCCGTT-3'
Protein context (NP_001013860.1, residues 791-811): QKLEGLLRQV[Gly801=]EVCRQDIQDF

ClinVar aggregate classification (germline): Uncertain significance (1 of 4 stars; one submission).

Allele frequency attached by ClinVar (database versions not stated): TOPMed 0.00001.
gnomAD v4.1: 7 of 1,593,426 alleles (0.00044%); highest among the groups gnomAD compares: African/African-American, 0.0027%; no homozygotes.

Submission:

Labcorp Genetics (formerly Invitae), Labcorp
Classification: Uncertain significance. Last evaluated: 2021-01-27. Review status: criteria provided, single submitter. Criteria: Invitae Variant Classification Sherloc (09022015). Collection method: clinical testing. Allele origin: germline.
Comment: In summary, the available evidence is currently insufficient to determine the role of this variant in disease. Therefore, it has been classified as a Variant of Uncertain Significance. Algorithms developed to predict the effect of sequence changes on RNA splicing suggest that this variant may create or strengthen a splice site, but this prediction has not been confirmed by published transcriptional studies. This variant has not been reported in the literature in individuals with CARMIL2-related conditions. This variant is not present in population databases (ExAC no frequency). This sequence change affects codon 801 of the CARMIL2 mRNA. It is a 'silent' change, meaning that it does not change the encoded amino acid sequence of the CARMIL2 protein.